The following is an entry in ClinVar:

ClinVar aggregate classification (germline): Uncertain significance (1 of 4 stars; one submission).

gnomAD v4.1: 3 of 1,614,052 alleles (0.00019%); highest among the groups gnomAD compares: Non-Finnish European, 0.00025%; no homozygotes.

Submission:

GeneDx
Classification: Uncertain significance. Last evaluated: 2024-04-15. Review status: criteria provided, single submitter. Criteria: GeneDx Variant Classification Process June 2021. Collection method: clinical testing. Allele origin: germline. Affected: yes.
Comment: Not observed at significant frequency in large population cohorts (gnomAD); In silico analysis supports that this missense variant has a deleterious effect on protein structure/function; Has not been previously published as pathogenic or benign to our knowledge

NM_024120.5(NDUFAF5):c.620A>G (p.Glu207Gly)

Gene: NDUFAF5 (NADH:ubiquinone oxidoreductase complex assembly factor 5; plus strand). Cytogenetic location: 20p12.1.
Variant type: single nucleotide variant.
Coding change: c.620A>G on transcript NM_024120.5 (MANE Select); coding-DNA position 620, A replaced by G.
Protein change: p.Glu207Gly; replaces glutamic acid 207 with glycine.
Molecular consequence: missense variant. On other transcripts: non-coding transcript variant (7).
Genome position (GRCh38, 1-based): chr20:13,801,586, A>G. VCF-style: chr20-13801586-A-G. GRCh37 (hg19) VCF-style: chr20-13782232-A-G.
Other names: c.536A>G, p.Glu179Gly (NM_001039375.3); c.149A>G, p.Glu50Gly (NM_001352403.2); c.59A>G, p.Glu20Gly (NM_001352406.2, NM_001352407.2); c.620A>G, p.Glu207Gly (NM_001352408.2); short protein forms E179G, E207G, E20G, E50G.
Identifiers: ClinVar variation 3372512 (VCV003372512.1).
Genomic context (GRCh38, chr20:13,801,586, plus strand): 5'-CAATGTTTGGAGGCGACACACTCTATGAACTTCGGTGTTCCTTACAGTTAGCGGAAACGG[A>G]AAGGGAAGGAGGATTTTCTCCACACATTTCTCCTTTCACTGCTGTCAATGACCTGGGACA-3'
Protein context (NP_077025.2, residues 197-217): LRCSLQLAET[Glu207Gly]REGGFSPHIS